The following is an entry in ClinVar:

NM_001754.5(RUNX1):c.601C>T (p.Arg201Ter)

Genes: RUNX1 (RUNX family transcription factor 1; minus strand), RUNX1-AS1 (RUNX1 antisense RNA 1; plus strand). Cytogenetic location: 21q22.12.
Variant type: single nucleotide variant.
Coding change: c.601C>T on transcript NM_001754.5 (MANE Select); coding-DNA position 601, C replaced by T.
Protein change: p.Arg201Ter; replaces arginine 201 with a stop codon.
Molecular consequence: nonsense.
Genome position (GRCh38, 1-based): chr21:34,859,486, G>A on the plus strand (C>T on the coding strand, the complement: RUNX1 is on the minus strand). VCF-style: chr21-34859486-G-A. GRCh37 (hg19) VCF-style: chr21-36231783-G-A.
Other names: NM_001754.4(RUNX1):c.601C>T; c.520C>T, p.Arg174Ter (NM_001001890.3, NM_001122607.2); short protein forms R201*, R174*.
Identifiers: ClinVar variation 376018 (VCV000376018.23), dbSNP rs1057519748, ClinGen allele CA16602487.
Genomic context (GRCh38, chr21:34,859,486, plus strand): 5'-GGGTGTACCAGCCTGGAGGGTGTACCAGCCCCAAGTGGATGCACTTACTTCGAGGTTCTC[G>A]GGGCCCATCCACTGTGATTTTGATGGCTCTGTGGTAGGTGGCGACTTGCGGTGGGTTTGT-3'

ClinVar aggregate classification (germline): Pathogenic. Review status: reviewed by expert panel (3 of 4 stars). 9 submissions from 9 submitters: Pathogenic (1). 8 of the submissions do not count toward it. Last evaluated 2024-09-04.

Conditions:
Hereditary thrombocytopenia and hematologic cancer predisposition syndrome. Identifiers: Orphanet 71290, MedGen CN281654, MONDO:0011071.
Inborn genetic diseases. Identifiers: MedGen C0950123, MeSH D030342.
Hereditary thrombocytopenia and hematological cancer predisposition syndrome associated with RUNX1. Also called: RUNX1 Familial Platelet Disorder with Associated Myeloid Malignancies; Familial Platelet Disorder with Propensity to Acute Myelogenous Leukemia; Familial thrombocytopenia with propensity to acute myelogenous leukemia; PLATELET DISORDER, ASPIRIN-LIKE. Identifiers: Orphanet 71290, MedGen C1832388, MeSH C563324, MONDO:0100083, OMIM 601399.
RUNX1-related disorder. Also called: RUNX1-related condition.

Allele frequency attached by ClinVar (database versions not stated): gnomAD exomes below 0.00001.
gnomAD v4.1: 2 of 1,613,200 alleles (0.00012%); highest among the groups gnomAD compares: Non-Finnish European, 0.00017%; no homozygotes.

Submissions (9):

ClinGen Myeloid Malignancy Variant Curation Expert Panel
Classification: Pathogenic for Hereditary thrombocytopenia and hematologic cancer predisposition syndrome. Last evaluated: 2024-09-04. Review status: reviewed by expert panel. Criteria: ClinGen MyeloMalig ACMG Specifications v2. Collection method: curation. Allele origin: germline. Inheritance: Autosomal dominant inheritance.
Comment: The NM_001754.4:c.601C>T (p.Arg201Ter) variant is a nonsense variant that is predicted to introduce a premature stop codon and expected to result in nonsense-mediated mRNA decay (PVS1). This variant has been reported in four probands meeting at least one of the RUNX1-phenotypic criteria (PS4; PMIDs: 10508512; 19387465; 20549580; 28513614). The variant was found to co-segregate with disease in multiple affected family members, with 14 meioses observed in across 4 families (PP1_Strong; PMID: 10508512; 19387465; 20549580; 28513614). The variant is absent from all population databases with at least 20x coverage for RUNX1 (PM2_supporting). In summary, this variant meets criteria to be classified as pathogenic. ACMG/AMP criteria applied, as specified by the Myeloid Malignancy Variant Curation Expert Panel for RUNX1: PVS1, PS4, PP1_Strong, PM2_supporting.

Labcorp Genetics (formerly Invitae), Labcorp
Classification: Pathogenic for Hereditary thrombocytopenia and hematological cancer predisposition syndrome associated with RUNX1. Last evaluated: 2025-07-31. Review status: criteria provided, single submitter. Criteria: Invitae Variant Classification Sherloc (09022015). Collection method: clinical testing. Allele origin: germline. Not counted in ClinVar's aggregate classification.
Comment: This sequence change creates a premature translational stop signal (p.Arg201*) in the RUNX1 gene. It is expected to result in an absent or disrupted protein product. Loss-of-function variants in RUNX1 are known to be pathogenic (PMID: 18723428, 24100448). This variant is not present in population databases (gnomAD no frequency). This premature translational stop signal has been observed in individual(s) with acute myelogenous leukemia and/or familial thrombocytopenia (PMID: 10508512). ClinVar contains an entry for this variant (Variation ID: 376018). For these reasons, this variant has been classified as Pathogenic.

Genomic Medicine Center of Excellence, King Faisal Specialist Hospital and Research Centre
Classification: Pathogenic for Hereditary thrombocytopenia and hematological cancer predisposition syndrome associated with RUNX1. Last evaluated: 2024-03-26. Review status: criteria provided, single submitter. Criteria: ACMG Guidelines, 2015. Collection method: clinical testing. Allele origin: germline. Not counted in ClinVar's aggregate classification.

Ambry Genetics
Classification: Pathogenic for Inborn genetic diseases. Last evaluated: 2023-12-20. Review status: criteria provided, single submitter. Criteria: Ambry Variant Classification Scheme 2023. Collection method: clinical testing. Allele origin: germline. Not counted in ClinVar's aggregate classification.
Comment: The p.R201* pathogenic mutation (also known as c.601C>T), located in coding exon 5 of the RUNX1 gene, results from a C to T substitution at nucleotide position 601. This changes the amino acid from an arginine to a stop codon within coding exon 5. This alteration has been reported in multiple individuals in the literature with a personal and/or family history of thrombocytopenia and/or hematologic malignancies (examples: Tawana K et al. Eur J Hum Genet. 2017 Aug;25(8):1020-1024; Ansar S et al. Genet Med. 2022 Nov;24(11):2367-2379; Liu C et al. EJHaem . 2023 Feb;4(1):145-152). In addition, this variant was reported to segregate with disease in multiple affected family members (Tawana K et al. Eur J Hum Genet. 2017 Aug;25(8):1020-1024; Liu C et al. EJHaem. 2023 Feb;4(1):145-152). This variant is considered to be rare based on population cohorts in the Genome Aggregation Database (gnomAD). This alteration is expected to result in loss of function by premature protein truncation or nonsense-mediated mRNA decay. As such, this alteration is interpreted as a disease-causing mutation.

Blueprint Genetics
Classification: Pathogenic for RUNX1-related disorders. Last evaluated: 2023-12-20. Review status: criteria provided, single submitter. Criteria: ACMG Guidelines, 2015. Collection method: clinical testing. Allele origin: germline. Affected: yes. Observed: 4 variant alleles. Not counted in ClinVar's aggregate classification.

GeneDx
Classification: Pathogenic. Last evaluated: 2022-09-26. Review status: criteria provided, single submitter. Criteria: GeneDx Variant Classification Process June 2021. Collection method: clinical testing. Allele origin: germline. Affected: yes. Not counted in ClinVar's aggregate classification.
Comment: Nonsense variant predicted to result in protein truncation or nonsense mediated decay in a gene for which loss of function is a known mechanism of disease; Not observed at significant frequency in large population cohorts (gnomAD); Also published as Arg174Ter; This variant is associated with the following publications: (PMID: 32477529, 26884589, 19387465, 28513614, 10508512, 20549580, 25525159, 25159113, 28102861, 31124578, 23848403, 30600763, 32554555)

Genetic Services Laboratory, University of Chicago
Classification: Pathogenic. Last evaluated: 2019-04-20. Review status: criteria provided, single submitter. Criteria: ACMG Guidelines, 2015. Collection method: clinical testing. Allele origin: germline. Affected: yes. Not counted in ClinVar's aggregate classification.
Comment: DNA sequence analysis of the RUNX1 gene demonstrated a sequence change, c.601C>T, which results in the creation of a premature stop codon at amino acid position 201, p.Arg201*. This pathogenic sequence change is predicted to result in an abnormal transcript, which may be degraded, or may lead to the production of a truncated RUNX1 protein with potentially abnormal function. This pathogenic sequence change is absent from population databases such as ExAC and gnomAD. This pathogenic sequence change has previously been described in multiple patients with RUNX1-related thrombocytopenia (Ripperger et al., 2009; Yoshima et al., 2016; Tawana et al., 2017).

ISTH-SSC Genomics in Thrombosis and Hemostasis, KU Leuven, Center for Molecular and Vascular Biology
Classification: Pathogenic for Hereditary thrombocytopenia and hematological cancer predisposition syndrome associated with RUNX1. Review status: criteria provided, single submitter. Criteria: ACMG Guidelines, 2015. Collection method: clinical testing. Allele origin: germline. Affected: yes. Observed: 2 heterozygotes. Clinical features observed: Thrombocytopenia. Not counted in ClinVar's aggregate classification.
Comment: Submitted to GoldVariant by Jose María Bastida and José Rivera; Grupo Español de Alteraciones Plaquetarias Congénitas (GEAPC)

PreventionGenetics, part of Exact Sciences
Classification: Pathogenic for RUNX1-related condition. Last evaluated: 2024-02-16. Review status: no assertion criteria provided. Collection method: clinical testing. Allele origin: germline. Not counted in ClinVar's aggregate classification.
Comment: The RUNX1 c.601C>T variant is predicted to result in premature protein termination (p.Arg201*). This variant has been reported in several families with familial platelet disorder and hematologic malignancies (see for example Sood et al. 2017. PubMed ID: 28179279). Other RUNX1 gene variants that cause premature protein termination of the RUNX1 protein have been reported in numerous patients with thrombocytopenia and myeloid malignancies (Song et al. 1999. PubMed ID: 10508512; Buijs et al. 2012. PubMed ID: 22430633; Shiba et al. 2012. PubMed ID: 22138511). This variant has not been reported in a large population database, indicating this variant is rare. Nonsense variants in RUNX1 are expected to be pathogenic. In summary, the RUNX1 gene variant p.Arg201* is the type of variant expected to be a primary cause of disease and may also be associated with myeloid malignancy predisposition.

Literature cited by the submitters: PubMed 10508512 (cited by ClinGen Myeloid Malignancy Variant Curation Expert Panel and Labcorp Genetics (formerly Invitae), Labcorp); PubMed 19387465 (cited by ClinGen Myeloid Malignancy Variant Curation Expert Panel); PubMed 28513614 (cited by 3 submitters); PubMed 20549580 (cited by ClinGen Myeloid Malignancy Variant Curation Expert Panel); PubMed 18723428 (cited by Labcorp Genetics (formerly Invitae), Labcorp); PubMed 24100448 (cited by Labcorp Genetics (formerly Invitae), Labcorp); PubMed 36112138 (cited by Ambry Genetics); PubMed 36819173 (cited by Ambry Genetics).